The following is an entry in ClinVar:

NM_001378778.1(MPDZ):c.3857_3858del (p.Glu1286fs)

Gene: MPDZ (multiple PDZ domain crumbs cell polarity complex component; minus strand). Cytogenetic location: 9p23.
Variant type: Microsatellite.
Coding change: c.3857_3858del on transcript NM_001378778.1 (MANE Select); coding-DNA positions 3857 to 3858, 2 bases deleted (AG; older notation c.3857_3858delAG).
Protein change: p.Glu1286fs; shifts the reading frame from glutamic acid 1286.
Molecular consequence: frameshift variant.
Genome position (GRCh38, 1-based): chr9:13,140,132-13,140,133, CT deleted on the plus strand (AG on the coding strand, the reverse complement: MPDZ is on the minus strand); deleting any 2 consecutive bases within chr9:13,140,132-13,140,135 gives the same sequence; the c. name uses the placement nearest the transcript's 3' end. VCF-style (leftmost placement, unchanged base first): chr9-13140131-ACT-A. GRCh37 (hg19) VCF-style: chr9-13140130-ACT-A.
Other names: c.3758_3759del, p.Glu1253fs (NM_001261406.2, NM_001261407.2, NM_001375416.1 and 3 more transcripts); c.3857_3858del, p.Glu1286fs (NM_001330637.2, NM_001375413.1, NM_003829.5); c.3647_3648del, p.Glu1216fs (NM_001375425.1, NM_001375426.1, NM_001375420.1 and 4 more transcripts); c.3449_3450del, p.Glu1150fs (NM_001375427.1); short protein forms E1150fs, E1253fs, E1216fs, E1286fs.
Identifiers: ClinVar variation 2020688 (VCV002020688.4), dbSNP rs2489784650, ClinGen allele CA2580616155.

ClinVar aggregate classification (germline): Pathogenic (1 of 4 stars; one submission).

Submission:

Labcorp Genetics (formerly Invitae), Labcorp
Classification: Pathogenic. Last evaluated: 2022-08-11. Review status: criteria provided, single submitter. Criteria: Invitae Variant Classification Sherloc (09022015). Collection method: clinical testing. Allele origin: germline.
Comment: This sequence change creates a premature translational stop signal (p.Glu1286Valfs*24) in the MPDZ gene. It is expected to result in an absent or disrupted protein product. Loss-of-function variants in MPDZ are known to be pathogenic (PMID: 23240096, 28556411). This variant is not present in population databases (gnomAD no frequency). This variant has not been reported in the literature in individuals affected with MPDZ-related conditions. For these reasons, this variant has been classified as Pathogenic.

Literature cited by the submitters: PubMed 23240096; PubMed 28556411.